The following is an entry in ClinVar:

ClinVar aggregate classification (germline): Likely pathogenic (1 of 4 stars; one submission).

Conditions:
Neuromuscular disease caused by qualitative or quantitative defects of dysferlin. Also called: Dysferlinopathy; Qualitative or quantitative defects of dysferlin. Identifiers: Orphanet 207073, MedGen C2931687, MONDO:0016145.

Submission:

Labcorp Genetics (formerly Invitae), Labcorp
Classification: Likely pathogenic for Neuromuscular disease caused by qualitative or quantitative defects of dysferlin. Last evaluated: 2023-03-10. Review status: criteria provided, single submitter. Criteria: Invitae Variant Classification Sherloc (09022015). Collection method: clinical testing. Allele origin: germline.
Comment: In summary, the currently available evidence indicates that the variant is pathogenic, but additional data are needed to prove that conclusively. Therefore, this variant has been classified as Likely Pathogenic. Advanced modeling of protein sequence and biophysical properties (such as structural, functional, and spatial information, amino acid conservation, physicochemical variation, residue mobility, and thermodynamic stability) performed at Invitae indicates that this missense variant is expected to disrupt DYSF protein function. ClinVar contains an entry for this variant (Variation ID: 471318). This missense change has been observed in individual(s) with dysferlin deficiency (Invitae). In at least one individual the data is consistent with being in trans (on the opposite chromosome) from a pathogenic variant. This variant is not present in population databases (gnomAD no frequency). This sequence change replaces aspartic acid, which is acidic and polar, with valine, which is neutral and non-polar, at codon 1855 of the DYSF protein (p.Asp1855Val).

NM_001130987.2(DYSF):c.5681A>T (p.Asp1894Val)

Gene: DYSF (dysferlin; plus strand). Cytogenetic location: 2p13.2.
Variant type: single nucleotide variant.
Coding change: c.5681A>T on transcript NM_001130987.2 (MANE Select); coding-DNA position 5681, A replaced by T.
Protein change: p.Asp1894Val; replaces aspartic acid 1894 with valine.
Molecular consequence: missense variant.
Genome position (GRCh38, 1-based): chr2:71,669,643, A>T. VCF-style: chr2-71669643-A-T. GRCh37 (hg19) VCF-style: chr2-71896773-A-T.
Other names: c.5567A>T, p.Asp1856Val (NM_001130455.2); c.5522A>T, p.Asp1841Val (NM_001130976.2); c.5585A>T, p.Asp1862Val (NM_001130977.2); c.5627A>T, p.Asp1876Val (NM_001130978.2); c.5657A>T, p.Asp1886Val (NM_001130979.2); c.5615A>T, p.Asp1872Val (NM_001130980.2); c.5678A>T, p.Asp1893Val (NM_001130981.2); c.5660A>T, p.Asp1887Val (NM_001130982.2); and 5 more; short protein forms D1894V, D1855V, D1842V, D1887V, D1841V, D1862V, D1863V, D1886V.
Identifiers: ClinVar variation 471318 (VCV000471318.8), dbSNP rs1553416071, ClinGen allele CA347223572.